The following is an entry in ClinVar:

ClinVar aggregate classification (germline): Uncertain significance (1 of 4 stars; one submission).

Allele frequency attached by ClinVar (database versions not stated): gnomAD exomes below 0.00001; gnomAD 0.00001; TOPMed 0.00001.
gnomAD v4.1: 28 of 1,612,302 alleles (0.0017%); highest among the groups gnomAD compares: Non-Finnish European, 0.002%; no homozygotes.

Submission:

Biesecker Lab/Clinical Genomics Section, National Institutes of Health
Classification: Uncertain significance. Last evaluated: 2013-06-24. Review status: criteria provided, single submitter. Criteria: Ng et al. (Circ Cardiovasc Genet. 2013). Collection method: research. Allele origin: unknown. Observed: 1 variant allele. Study: ClinSeq.
Comment: The study set was not selected for affection status in relation to any cancer. Pathogenicity categories were based on literature curation. See Pubmed ID:23861362 for details.

Medical sequencing

NM_001267550.2(TTN):c.53755A>G (p.Thr17919Ala)

Genes: TTN (titin; minus strand), TTN-AS1 (TTN antisense RNA 1; plus strand). Cytogenetic location: 2q31.2.
Variant type: single nucleotide variant.
Coding change: c.53755A>G on transcript NM_001267550.2 (MANE Select); coding-DNA position 53755, A replaced by G.
Protein change: p.Thr17919Ala; replaces threonine 17919 with alanine.
Molecular consequence: missense variant.
Genome position (GRCh38, 1-based): chr2:178,605,540, T>C on the plus strand (A>G on the coding strand, the complement: TTN is on the minus strand). VCF-style: chr2-178605540-T-C. GRCh37 (hg19) VCF-style: chr2-179470267-T-C.
Other names: c.48832A>G, p.Thr16278Ala (NM_001256850.1); c.26560A>G, p.Thr8854Ala (NM_003319.4); c.46051A>G, p.Thr15351Ala (NM_133378.4); c.26935A>G, p.Thr8979Ala (NM_133432.3); c.27136A>G, p.Thr9046Ala (NM_133437.4); short protein forms T15351A, T17919A, T9046A, T8854A, T16278A, T8979A.
Identifiers: ClinVar variation 191946 (VCV000191946.1), dbSNP rs199605903, ClinGen allele CA237933.